The following is an entry in ClinVar:

ClinVar aggregate classification (germline): Uncertain significance. Review status: criteria provided, multiple submitters, no conflicts (2 of 4 stars). 2 submissions from 2 submitters: Uncertain significance (2). Last evaluated 2025-04-11.

Conditions:
Autosomal recessive limb-girdle muscular dystrophy type 2L (LGMDR12). Also called: Limb-girdle muscular dystrophy, type 2L; MUSCULAR DYSTROPHY, LIMB-GIRDLE, AUTOSOMAL RECESSIVE 12; Limb-Girdle Muscular Dystrophy R12 Anoctamin-5-Related (LGMD-R12). Identifiers: Orphanet 206549, MedGen C1969785, MONDO:0012652, OMIM 611307.
Gnathodiaphyseal dysplasia (GDD). Also called: OSTEOGENESIS IMPERFECTA WITH UNUSUAL SKELETAL LESIONS; GNATHODIAPHYSEAL SCLEROSIS. Identifiers: Orphanet 53697, MedGen C1833736, MONDO:0008151, OMIM 166260.
Inborn genetic diseases. Identifiers: MedGen C0950123, MeSH D030342.

Submissions (2):

Ambry Genetics
Classification: Uncertain significance for Inborn genetic diseases. Last evaluated: 2025-04-11. Review status: criteria provided, single submitter. Criteria: Ambry Variant Classification Scheme 2023. Collection method: clinical testing. Allele origin: germline.

Labcorp Genetics (formerly Invitae), Labcorp
Classification: Uncertain significance for Autosomal recessive limb-girdle muscular dystrophy type 2L; Gnathodiaphyseal dysplasia. Last evaluated: 2024-02-24. Review status: criteria provided, single submitter. Criteria: Invitae Variant Classification Sherloc (09022015). Collection method: clinical testing. Allele origin: germline.
Comment: This sequence change replaces valine, which is neutral and non-polar, with glycine, which is neutral and non-polar, at codon 739 of the ANO5 protein (p.Val739Gly). This variant is not present in population databases (gnomAD no frequency). This variant has not been reported in the literature in individuals affected with ANO5-related conditions. ClinVar contains an entry for this variant (Variation ID: 1053706). Advanced modeling of protein sequence and biophysical properties (such as structural, functional, and spatial information, amino acid conservation, physicochemical variation, residue mobility, and thermodynamic stability) performed at Invitae indicates that this missense variant is expected to disrupt ANO5 protein function with a positive predictive value of 80%. In summary, the available evidence is currently insufficient to determine the role of this variant in disease. Therefore, it has been classified as a Variant of Uncertain Significance.

NM_213599.3(ANO5):c.2216T>G (p.Val739Gly)

Gene: ANO5 (anoctamin 5; plus strand). Cytogenetic location: 11p14.3.
Variant type: single nucleotide variant.
Coding change: c.2216T>G on transcript NM_213599.3 (MANE Select); coding-DNA position 2216, T replaced by G.
Protein change: p.Val739Gly; replaces valine 739 with glycine.
Molecular consequence: missense variant.
Genome position (GRCh38, 1-based): chr11:22,272,970, T>G. VCF-style: chr11-22272970-T-G. GRCh37 (hg19) VCF-style: chr11-22294516-T-G.
Other names: c.2216T>G (NM_213599.2); c.2213T>G, p.Val738Gly (NM_001142649.2); short protein forms V738G, V739G.
Identifiers: ClinVar variation 1053706 (VCV001053706.12), dbSNP rs2133789005, ClinGen allele CA379924027.